The following is an entry in ClinVar:

ClinVar aggregate classification (germline): Benign. Review status: criteria provided, multiple submitters, no conflicts (2 of 4 stars). 3 submissions from 3 submitters: Benign (3). Last evaluated 2018-07-15.

Conditions:
Polydactyly of a triphalangeal thumb. Also called: POLYDACTYLY OF TRIPHALANGEAL THUMB; TRIPHALANGEAL THUMB-POLYDACTYLY SYNDROME; Polydactyly, preaxial type II. Identifiers: Orphanet 2439, Orphanet 2950, Orphanet 93336, MedGen C1868114, MONDO:0008270, OMIM 174500.

Allele frequency attached by ClinVar (database versions not stated): 1000 Genomes Project 0.02436; gnomAD 0.02524 and 0.02727; 1000 Genomes Project 30x 0.02623; TOPMed 0.02943.
gnomAD v4.1: 6,183 of 1,055,558 alleles (0.59%); highest among the groups gnomAD compares: African/African-American, 8.7%; 252 homozygotes.

Submissions (3):

GeneDx
Classification: Benign. Last evaluated: 2018-07-15. Review status: criteria provided, single submitter. Criteria: GeneDx Variant Classification Process June 2021. Collection method: clinical testing. Allele origin: germline. Affected: yes.

Illumina Laboratory Services, Illumina
Classification: Benign for Polydactyly of a triphalangeal thumb. Last evaluated: 2018-01-13. Review status: criteria provided, single submitter. Criteria: ICSL Variant Classification Criteria 13 December 2019. Collection method: clinical testing. Allele origin: germline.
Comment: This variant was observed in the ICSL laboratory as part of a predisposition screen in an ostensibly healthy population. It had not been previously curated by ICSL or reported in the Human Gene Mutation Database (HGMD: prior to June 1st, 2018), and was therefore a candidate for classification through an automated scoring system. Utilizing variant allele frequency, disease prevalence and penetrance estimates, and inheritance mode, an automated score was calculated to assess if this variant is too frequent to cause the disease. Based on the score and internal cut-off values, a variant classified as benign is not then subjected to further curation. The score for this variant resulted in a classification of benign for this disease.

Breakthrough Genomics
Classification: Benign. Review status: criteria provided, single submitter. Criteria: ACMG Guidelines, 2015. Collection method: not provided. Allele origin: germline. Inheritance: Autosomal recessive inheritance. Affected: yes.

NM_022458.4(LMBR1):c.*91C>T

Gene: LMBR1 (limb development membrane protein 1; minus strand). Cytogenetic location: 7q36.3.
Variant type: single nucleotide variant.
Coding change: c.*91C>T on transcript NM_022458.4 (MANE Select); 91 bases downstream of the stop codon, C replaced by T.
Molecular consequence: 3 prime UTR variant. On other transcripts: non-coding transcript variant (2).
Genome position (GRCh38, 1-based): chr7:156,683,987, G>A on the plus strand (C>T on the coding strand, the complement: LMBR1 is on the minus strand). VCF-style: chr7-156683987-G-A. GRCh37 (hg19) VCF-style: chr7-156476681-G-A.
Other names: c.*91C>T (NM_001350953.2, NM_001350954.2, NM_001350955.2 and 8 more transcripts).
Identifiers: ClinVar variation 359417 (VCV000359417.7), dbSNP rs75853117, ClinGen allele CA10623529.